The following is an entry in ClinVar:

NM_002907.4(RECQL):c.-45-92C>T

Gene: RECQL (RecQ like helicase; minus strand). Cytogenetic location: 12p12.1.
Variant type: single nucleotide variant.
Coding change: c.-45-92C>T on transcript NM_002907.4 (MANE Select); 92 bases into the intron before 45 bases upstream of the start codon, C replaced by T.
Molecular consequence: intron variant.
Genome position (GRCh38, 1-based): chr12:21,499,707, G>A on the plus strand (C>T on the coding strand, the complement: RECQL is on the minus strand). VCF-style: chr12-21499707-G-A. GRCh37 (hg19) VCF-style: chr12-21652641-G-A.
Other names: c.-45-92C>T (NM_032941.3).
Identifiers: ClinVar variation 679679 (VCV000679679.2), dbSNP rs12423412, ClinGen allele CA15749525.

ClinVar aggregate classification (germline): Benign. Review status: criteria provided, multiple submitters, no conflicts (2 of 4 stars). 2 submissions from 2 submitters: Benign (2). Last evaluated 2018-06-20.

Allele frequency attached by ClinVar (database versions not stated): 1000 Genomes Project 0.20288; gnomAD exomes 0.23677; gnomAD 0.18245 and 0.18808; TOPMed 0.18355; 1000 Genomes Project 30x 0.19785.
gnomAD v4.1: 139,812 of 623,600 alleles (22%); highest among the groups gnomAD compares: East Asian, 31%; 17,247 homozygotes.

Submissions (2):

GeneDx
Classification: Benign. Last evaluated: 2018-06-20. Review status: criteria provided, single submitter. Criteria: GeneDx Variant Classification (06012015). Collection method: clinical testing. Allele origin: germline. Affected: yes.
Comment: This variant is considered likely benign or benign based on one or more of the following criteria: it is a conservative change, it occurs at a poorly conserved position in the protein, it is predicted to be benign by multiple in silico algorithms, and/or has population frequency not consistent with disease.

Breakthrough Genomics
Classification: Benign. Review status: criteria provided, single submitter. Criteria: ACMG Guidelines, 2015. Collection method: not provided. Allele origin: germline. Inheritance: Unknown mechanism. Affected: yes.